The following is an entry in ClinVar:

ClinVar aggregate classification (germline): Pathogenic (1 of 4 stars; one submission).

Conditions:
Developmental and epileptic encephalopathy. Identifiers: MedGen C5779964, MONDO:0100620.

Submission:

Labcorp Genetics (formerly Invitae), Labcorp
Classification: Pathogenic for Early-infantile DEE. Last evaluated: 2023-11-18. Review status: criteria provided, single submitter. Criteria: Invitae Variant Classification Sherloc (09022015). Collection method: clinical testing. Allele origin: germline.
Comment: This variant is a gross deletion of the genomic region encompassing exon(s) 10-17 of the KCNQ2 gene, which includes the termination codon. This deletion extends beyond the assayed region for this gene and therefore may encompass additional genes. While this deletion is not anticipated to lead to nonsense mediated decay, it is expected to alter mRNA translation or result in a truncated protein product. This variant has not been reported in the literature in individuals affected with KCNQ2-related conditions. This variant disrupts a region of the KCNQ2 protein in which other variant(s) (p.Lys829Serfs*35) have been determined to be pathogenic (Invitae). This suggests that this is a clinically significant region of the protein, and that variants that disrupt it are likely to be disease-causing. For these reasons, this variant has been classified as Pathogenic.

NC_000020.10:g.(?_62037997)_(62059808_?)del

Gene: KCNQ2 (potassium voltage-gated channel subfamily Q member 2; minus strand). Cytogenetic location: 20q13.33.
Variant type: Deletion.
Identifiers: ClinVar variation 1430611 (VCV001430611.5).